The following is an entry in ClinVar:

ClinVar aggregate classification (germline): Uncertain significance (1 of 4 stars; one submission).

Allele frequency attached by ClinVar (database versions not stated): gnomAD exomes below 0.00001; ExAC 0.00001.
gnomAD v4.1: 2 of 1,613,922 alleles (0.00012%); highest among the groups gnomAD compares: South Asian, 0.0011%; no homozygotes.

Submission:

Labcorp Genetics (formerly Invitae), Labcorp
Classification: Uncertain significance. Last evaluated: 2021-08-24. Review status: criteria provided, single submitter. Criteria: Invitae Variant Classification Sherloc (09022015). Collection method: clinical testing. Allele origin: germline.
Comment: This sequence change replaces alanine with valine at codon 42 of the TTC37 protein (p.Ala42Val). The alanine residue is moderately conserved and there is a small physicochemical difference between alanine and valine. This variant is present in population databases (rs761142205, ExAC 0.001%). This variant has not been reported in the literature in individuals affected with TTC37-related conditions. Algorithms developed to predict the effect of missense changes on protein structure and function are either unavailable or do not agree on the potential impact of this missense change (SIFT: "Deleterious"; PolyPhen-2: "Probably Damaging"; Align-GVGD: "Class C0"). In summary, the available evidence is currently insufficient to determine the role of this variant in disease. Therefore, it has been classified as a Variant of Uncertain Significance.

NM_014639.4(SKIC3):c.125C>T (p.Ala42Val)

Gene: SKIC3 (SKI3 subunit of superkiller complex; minus strand). Cytogenetic location: 5q15.
Variant type: single nucleotide variant.
Coding change: c.125C>T on transcript NM_014639.4 (MANE Select); coding-DNA position 125, C replaced by T.
Protein change: p.Ala42Val; replaces alanine 42 with valine.
Molecular consequence: missense variant.
Genome position (GRCh38, 1-based): chr5:95,543,293, G>A on the plus strand (C>T on the coding strand, the complement: SKIC3 is on the minus strand). VCF-style: chr5-95543293-G-A. GRCh37 (hg19) VCF-style: chr5-94878997-G-A.
Other names: short protein forms A42V.
Identifiers: ClinVar variation 1520109 (VCV001520109.5), dbSNP rs761142205, ClinGen allele CA3347705.